The following is an entry in ClinVar:

NM_152618.3(BBS12):c.1451G>A (p.Arg484Lys)

Gene: BBS12 (Bardet-Biedl syndrome 12; plus strand). Cytogenetic location: 4q27.
Variant type: single nucleotide variant.
Coding change: c.1451G>A on transcript NM_152618.3 (MANE Select); coding-DNA position 1451, G replaced by A.
Protein change: p.Arg484Lys; replaces arginine 484 with lysine.
Molecular consequence: missense variant.
Genome position (GRCh38, 1-based): chr4:122,743,343, G>A. VCF-style: chr4-122743343-G-A. GRCh37 (hg19) VCF-style: chr4-123664498-G-A.
Other names: c.1451G>A, p.Arg484Lys (NM_001178007.2); short protein forms R484K.
Identifiers: ClinVar variation 262673 (VCV000262673.23), dbSNP rs35690634, ClinGen allele CA3069449.
Genomic context (GRCh38, chr4:122,743,343, plus strand): 5'-GTGTGGGCGACGGGGTCTGCGTGACCTTCTGGAGAAGCAGCCCTTTGGATGTTGTAGATA[G>A]GAACAACAGAATCGCAATCTTATTAAAAACAGAAGGAATTAATTTGGTTACGGCCGTGCT-3'
Protein context (NP_689831.2, residues 474-494): WRSSPLDVVD[Arg484Lys]NNRIAILLKT

ClinVar aggregate classification (germline): Benign/Likely benign. Review status: criteria provided, multiple submitters, no conflicts (2 of 4 stars). 9 submissions from 9 submitters: Benign (4); Likely benign (4). 1 of the submissions does not count toward it. Last evaluated 2026-02-01.

Conditions:
Bardet-Biedl syndrome (BBS). Identifiers: Orphanet 110, MedGen C0752166, MONDO:0015229.
Bardet-Biedl syndrome 1 (BBS1). Identifiers: MedGen C2936862, MONDO:0008854, OMIM 209900. Disease mechanism: loss of function.
Bardet-Biedl syndrome 12 (BBS12). Identifiers: Orphanet 110, MedGen C1859570, MONDO:0014440, OMIM 615989.

Allele frequency attached by ClinVar (database versions not stated): gnomAD exomes 0.00040 and 0.00099; ExAC 0.00114; ESP Exome Variant Server 0.00377; gnomAD 0.00409 and 0.00435; TOPMed 0.00439; 1000 Genomes Project 0.00559; 1000 Genomes Project 30x 0.00640.

Submissions (9):

Labcorp Genetics (formerly Invitae), Labcorp
Classification: Benign for Bardet-Biedl syndrome. Last evaluated: 2026-02-01. Review status: criteria provided, single submitter. Criteria: Invitae Variant Classification Sherloc (09022015). Collection method: clinical testing. Allele origin: germline.

Blueprint Genetics
Classification: Likely benign. Last evaluated: 2024-11-01. Review status: criteria provided, single submitter. Criteria: ACMG Guidelines, 2015. Collection method: clinical testing. Allele origin: germline.

Genetic Services Laboratory, University of Chicago
Classification: Benign. Last evaluated: 2021-03-31. Review status: criteria provided, single submitter. Criteria: ACMG Guidelines, 2015. Collection method: clinical testing. Allele origin: germline. Affected: no.

Illumina Laboratory Services, Illumina
Classification: Likely benign for Bardet-Biedl syndrome 12. Last evaluated: 2018-01-13. Review status: criteria provided, single submitter. Criteria: ICSL Variant Classification Criteria 13 December 2019. Collection method: clinical testing. Allele origin: germline.
Comment: This variant was observed in the ICSL laboratory as part of a predisposition screen in an ostensibly healthy population. It had not been previously curated by ICSL or reported in the Human Gene Mutation Database (HGMD: prior to June 1st, 2018), and was therefore a candidate for classification through an automated scoring system. Utilizing variant allele frequency, disease prevalence and penetrance estimates, and inheritance mode, an automated score was calculated to assess if this variant is too frequent to cause the disease. Based on the score and internal cut-off values, a variant classified as likely benign is not then subjected to further curation. The score for this variant resulted in a classification of likely benign for this disease.

Clinical Genetics DNA and cytogenetics Diagnostics Lab, Erasmus MC, Erasmus Medical Center
Classification: Benign for Bardet-Biedl syndrome 1. Last evaluated: 2015-09-21. Review status: criteria provided, single submitter. Criteria: ACGS Guidelines, 2013. Collection method: clinical testing. Allele origin: germline. Affected: yes. Study: VKGL Data-share Consensus.

Genome Diagnostics Laboratory, University Medical Center Utrecht
Classification: Benign for Bardet-Biedl syndrome 1. Last evaluated: 2015-08-20. Review status: criteria provided, single submitter. Criteria: ACGS Guidelines, 2013. Collection method: clinical testing. Allele origin: germline. Affected: yes. Study: VKGL Data-share Consensus.

Breakthrough Genomics
Classification: Likely benign. Review status: criteria provided, single submitter. Criteria: ACMG Guidelines, 2015. Collection method: not provided. Allele origin: germline. Inheritance: Autosomal recessive inheritance. Affected: yes.

PreventionGenetics, part of Exact Sciences
Classification: Likely benign. Review status: criteria provided, single submitter. Criteria: ACMG Guidelines, 2015. Collection method: clinical testing. Allele origin: germline.

Clinical Genetics, Academic Medical Center
Classification: Benign. Review status: no assertion criteria provided. Collection method: clinical testing. Allele origin: germline. Affected: yes. Study: VKGL Data-share Consensus. Not counted in ClinVar's aggregate classification.